The following is an entry in ClinVar:

ClinVar aggregate classification (germline): Uncertain significance (1 of 4 stars; one submission).

Allele frequency attached by ClinVar (database versions not stated): gnomAD exomes below 0.00001.

Submission:

Labcorp Genetics (formerly Invitae), Labcorp
Classification: Uncertain significance. Last evaluated: 2024-10-26. Review status: criteria provided, single submitter. Criteria: Invitae Variant Classification Sherloc (09022015). Collection method: clinical testing. Allele origin: germline.
Comment: This sequence change replaces isoleucine, which is neutral and non-polar, with threonine, which is neutral and polar, at codon 481 of the DSG1 protein (p.Ile481Thr). This variant is not present in population databases (gnomAD no frequency). This variant has not been reported in the literature in individuals affected with DSG1-related conditions. Invitae Evidence Modeling of protein sequence and biophysical properties (such as structural, functional, and spatial information, amino acid conservation, physicochemical variation, residue mobility, and thermodynamic stability) indicates that this missense variant is not expected to disrupt DSG1 protein function with a negative predictive value of 80%. In summary, the available evidence is currently insufficient to determine the role of this variant in disease. Therefore, it has been classified as a Variant of Uncertain Significance.

NM_001942.4(DSG1):c.1442T>C (p.Ile481Thr)

Gene: DSG1 (desmoglein 1; plus strand). Cytogenetic location: 18q12.1.
Variant type: single nucleotide variant.
Coding change: c.1442T>C on transcript NM_001942.4 (MANE Select); coding-DNA position 1442, T replaced by C.
Protein change: p.Ile481Thr; replaces isoleucine 481 with threonine.
Molecular consequence: missense variant.
Genome position (GRCh38, 1-based): chr18:31,339,780, T>C. VCF-style: chr18-31339780-T-C. GRCh37 (hg19) VCF-style: chr18-28919743-T-C.
Other names: short protein forms I481T.
Identifiers: ClinVar variation 2756760 (VCV002756760.3), dbSNP rs2510836178, ClinGen allele CA402137109.